The following is an entry in ClinVar:

NM_000059.4(BRCA2):c.793+98G>A

Gene: BRCA2 (BRCA2 DNA repair associated; plus strand). Cytogenetic location: 13q13.1.
Variant type: single nucleotide variant.
Coding change: c.793+98G>A on transcript NM_000059.4 (MANE Select); 98 bases into the intron after coding-DNA position 793, G replaced by A.
Molecular consequence: intron variant.
Genome position (GRCh38, 1-based): chr13:32,331,128, G>A. VCF-style: chr13-32331128-G-A. GRCh37 (hg19) VCF-style: chr13-32905265-G-A.
Other names: IVS 9+98G>A.
Identifiers: ClinVar variation 209936 (VCV000209936.4), dbSNP rs206073, ClinGen allele CA276903.
Genomic context (GRCh38, chr13:32,331,128, plus strand): 5'-TTGTTGTTGTTTTGATTTTTTTTTTTTGAGGTGGAGTCTTGCTCTGTCACCCGTGATCTC[G>A]GTTTACCGCAACCTCTGCCTCCCGTGCTCAAGCGATCCTGCCTCAGCTTGCCAAGTAGCT-3'

ClinVar aggregate classification (germline): Benign. Review status: reviewed by expert panel (3 of 4 stars). 3 submissions from 3 submitters: Benign (1). 2 of the submissions do not count toward it. Last evaluated 2015-01-12.

Conditions:
Breast-ovarian cancer, familial, susceptibility to, 2 (BROVCA2). Also called: BRCA2 Hereditary Breast and Ovarian Cancer. Identifiers: Orphanet 145, MedGen C2675520, MONDO:0012933, OMIM 612555. Disease mechanism: loss of function.

Allele frequency attached by ClinVar (database versions not stated): 1000 Genomes Project 30x 0.97283; 1000 Genomes Project 0.97404; TOPMed 0.97584; gnomAD 0.97695 and 0.97842; gnomAD exomes 0.99765.
gnomAD v4.1: 844,384 of 849,362 alleles (99%); highest among the groups gnomAD compares: East Asian, 100%; 419,869 homozygotes.

Submissions (3):

Evidence-based Network for the Interpretation of Germline Mutant Alleles (ENIGMA)
Classification: Benign for Breast-ovarian cancer, familial 2. Last evaluated: 2015-01-12. Review status: reviewed by expert panel. Criteria: ENIGMA BRCA1/2 Classification Criteria (2015). Collection method: curation. Allele origin: germline.
Comment: Class 1 not pathogenic based on frequency >1% in an outbred sampleset. Frequency 0.8902 (African), derived from 1000 genomes (2012-04-30).

GeneDx
Classification: Benign. Last evaluated: 2015-03-03. Review status: criteria provided, single submitter. Criteria: GeneDx Variant Classification Process June 2021. Collection method: clinical testing. Allele origin: germline. Affected: yes. Not counted in ClinVar's aggregate classification.

Breakthrough Genomics
Classification: Benign. Review status: criteria provided, single submitter. Criteria: ACMG Guidelines, 2015. Collection method: not provided. Allele origin: germline. Inheritance: Autosomal recessive inheritance. Affected: yes. Not counted in ClinVar's aggregate classification.